The following is an entry in ClinVar:

ClinVar aggregate classification (germline): Conflicting classifications of pathogenicity. Review status: criteria provided, conflicting classifications (1 of 4 stars). 4 submissions from 4 submitters: Uncertain significance (3); Likely benign (1). Last evaluated 2026-01-22.

Conditions:
Osteopetrosis. Identifiers: Orphanet 2781, MedGen C0029454, MONDO:0017198, HP:0011002.
Inborn genetic diseases. Identifiers: MedGen C0950123, MeSH D030342.

Allele frequency attached by ClinVar (database versions not stated): gnomAD exomes 0.00003 and 0.00004; gnomAD 0.00004 and 0.00005; TOPMed 0.00005; ExAC 0.00008.
gnomAD v4.1: 53 of 1,569,442 alleles (0.0034%); highest among the groups gnomAD compares: African/African-American, 0.0081%; no homozygotes.

Submissions (4):

Labcorp Genetics (formerly Invitae), Labcorp
Classification: Likely benign. Last evaluated: 2026-01-22. Review status: criteria provided, single submitter. Criteria: Invitae Variant Classification Sherloc (09022015). Collection method: clinical testing. Allele origin: germline.

CeGaT Center for Human Genetics Tuebingen
Classification: Uncertain significance. Last evaluated: 2022-10-01. Review status: criteria provided, single submitter. Criteria: CeGaT Center For Human Genetics Tuebingen Variant Classification Criteria Version 2. Collection method: clinical testing. Allele origin: germline. Affected: yes. Observed: 2 variant alleles.
Comment: CLCN7: PM5, PP2, PP4

Ambry Genetics
Classification: Uncertain significance for Inborn genetic diseases. Last evaluated: 2021-10-20. Review status: criteria provided, single submitter. Criteria: Ambry Variant Classification Scheme 2023. Collection method: clinical testing. Allele origin: germline.

Illumina Laboratory Services, Illumina
Classification: Uncertain significance for Osteopetrosis. Last evaluated: 2017-04-28. Review status: criteria provided, single submitter. Criteria: ICSL Variant Classification Criteria 13 December 2019. Collection method: clinical testing. Allele origin: germline.

NM_001287.6(CLCN7):c.1226G>A (p.Arg409Gln)

Gene: CLCN7 (Cl-/H+ antiporter 7; minus strand). Cytogenetic location: 16p13.3.
Variant type: single nucleotide variant.
Coding change: c.1226G>A on transcript NM_001287.6 (MANE Select); coding-DNA position 1226, G replaced by A.
Protein change: p.Arg409Gln; replaces arginine 409 with glutamine.
Molecular consequence: missense variant.
Genome position (GRCh38, 1-based): chr16:1,452,882, C>T on the plus strand (G>A on the coding strand, the complement: CLCN7 is on the minus strand). VCF-style: chr16-1452882-C-T. GRCh37 (hg19) VCF-style: chr16-1502883-C-T.
Other names: c.1154G>A, p.Arg385Gln (NM_001114331.3); c.1226G>A (NM_001287.4); short protein forms R409Q, R385Q.
Identifiers: ClinVar variation 887342 (VCV000887342.43), dbSNP rs780959736, ClinGen allele CA7810346.